The following is an entry in ClinVar:

NM_139076.3(ABRAXAS1):c.671A>C (p.Glu224Ala)

Gene: ABRAXAS1 (abraxas 1, BRCA1 A complex subunit; minus strand). Cytogenetic location: 4q21.23.
Variant type: single nucleotide variant.
Coding change: c.671A>C on transcript NM_139076.3 (MANE Select); coding-DNA position 671, A replaced by C.
Protein change: p.Glu224Ala; replaces glutamic acid 224 with alanine.
Molecular consequence: missense variant.
Genome position (GRCh38, 1-based): chr4:83,467,464, T>G on the plus strand (A>C on the coding strand, the complement: ABRAXAS1 is on the minus strand). VCF-style: chr4-83467464-T-G. GRCh37 (hg19) VCF-style: chr4-84388617-T-G.
Other names: c.344A>C, p.Glu115Ala (NM_001345962.2); short protein forms E115A, E224A.
Identifiers: ClinVar variation 3333401 (VCV003333401.1).
Genomic context (GRCh38, chr4:83,467,464, plus strand): 5'-GATATGAACTCTATCTAGAAGTGGTTGACGTGTTTGATATGTTAACTTACCTTTAATTCC[T>G]CTTGTAATGAAGCATACATTTCATTTATCTTATGTACCTCCTTTAAGGATCCATCTTCTT-3'
Protein context (NP_620775.2, residues 214-234): KINEMYASLQ[Glu224Ala]ELKSICKKVE

ClinVar aggregate classification (germline): Uncertain significance (1 of 4 stars; one submission).

Submission:

Ambry Genetics
Classification: Uncertain significance. Last evaluated: 2024-03-30. Review status: criteria provided, single submitter. Criteria: Ambry Variant Classification Scheme 2023. Collection method: clinical testing. Allele origin: germline.
Comment: The p.E224A variant (also known as c.671A>C), located in coding exon 7 of the FAM175A gene, results from an A to C substitution at nucleotide position 671. The glutamic acid at codon 224 is replaced by alanine, an amino acid with dissimilar properties. This amino acid position is conserved. In addition, this alteration is predicted to be tolerated by in silico analysis. Based on the available evidence, the clinical significance of this alteration remains unclear.